The following is an entry in ClinVar:

ClinVar aggregate classification (germline): Uncertain significance (1 of 4 stars; one submission).

gnomAD v4.1: 1 of 1,614,118 alleles (0.000062%); highest among the groups gnomAD compares: East Asian, 0.0022%; no homozygotes.

Submission:

Labcorp Genetics (formerly Invitae), Labcorp
Classification: Uncertain significance. Last evaluated: 2022-05-07. Review status: criteria provided, single submitter. Criteria: Invitae Variant Classification Sherloc (09022015). Collection method: clinical testing. Allele origin: germline.
Comment: In summary, the available evidence is currently insufficient to determine the role of this variant in disease. Therefore, it has been classified as a Variant of Uncertain Significance. Algorithms developed to predict the effect of missense changes on protein structure and function output the following: SIFT: "Tolerated"; PolyPhen-2: "Benign"; Align-GVGD: "Class C0". The isoleucine amino acid residue is found in multiple mammalian species, which suggests that this missense change does not adversely affect protein function. This variant has not been reported in the literature in individuals affected with VCAN-related conditions. This variant is present in population databases (no rsID available, gnomAD 0.006%). This sequence change replaces valine, which is neutral and non-polar, with isoleucine, which is neutral and non-polar, at codon 1267 of the VCAN protein (p.Val1267Ile).

NM_004385.5(VCAN):c.3799G>A (p.Val1267Ile)

Gene: VCAN (versican; plus strand). Cytogenetic location: 5q14.3.
Variant type: single nucleotide variant.
Coding change: c.3799G>A on transcript NM_004385.5 (MANE Select); coding-DNA position 3799, G replaced by A.
Protein change: p.Val1267Ile; replaces valine 1267 with isoleucine.
Molecular consequence: missense variant. On other transcripts: intron variant (2).
Genome position (GRCh38, 1-based): chr5:83,522,105, G>A. VCF-style: chr5-83522105-G-A. GRCh37 (hg19) VCF-style: chr5-82817924-G-A.
Other names: c.3799G>A, p.Val1267Ile (NM_001164098.2); c.1042+9709G>A (NM_001164097.2, NM_001126336.3); short protein forms V1267I.
Identifiers: ClinVar variation 2135164 (VCV002135164.4), dbSNP rs1301378475, ClinGen allele CA360306834.